The following is an entry in ClinVar:

ClinVar aggregate classification (germline): Uncertain significance. Review status: criteria provided, multiple submitters, no conflicts (2 of 4 stars). 2 submissions from 2 submitters: Uncertain significance (2). Last evaluated 2024-04-07.

Conditions:
Hereditary cancer-predisposing syndrome. Also called: Hereditary Cancer Syndrome; Tumor predisposition; Hereditary neoplastic syndrome; Neoplastic Syndromes, Hereditary. Identifiers: Orphanet 140162, MedGen C0027672, MeSH D009386, MONDO:0015356.
Microcephaly, normal intelligence and immunodeficiency (NBS). Also called: BERLIN BREAKAGE SYNDROME; Immunodeficiency, microcephaly with normal intelligence; Ataxia telangiectasia variant V1; Nijmegen breakage syndrome; Microcephaly with normal intelligence immunodeficiency and lymphoreticular malignancies; Nonsyndromal microcephaly autosomal recessive with normal intelligence. Identifiers: Orphanet 647, MedGen C0398791, MONDO:0009623, OMIM 251260.

Submissions (2):

Ambry Genetics
Classification: Uncertain significance for Hereditary cancer-predisposing syndrome. Last evaluated: 2024-04-07. Review status: criteria provided, single submitter. Criteria: Ambry Variant Classification Scheme 2023. Collection method: clinical testing. Allele origin: germline.
Comment: The p.S615C variant (also known as c.1844C>G), located in coding exon 11 of the NBN gene, results from a C to G substitution at nucleotide position 1844. The serine at codon 615 is replaced by cysteine, an amino acid with dissimilar properties. This amino acid position is conserved. In addition, this alteration is predicted to be tolerated by in silico analysis. Based on the available evidence, the clinical significance of this variant remains unclear.

Labcorp Genetics (formerly Invitae), Labcorp
Classification: Uncertain significance for Microcephaly, normal intelligence and immunodeficiency. Last evaluated: 2022-05-27. Review status: criteria provided, single submitter. Criteria: Invitae Variant Classification Sherloc (09022015). Collection method: clinical testing. Allele origin: germline.
Comment: This variant has not been reported in the literature in individuals affected with NBN-related conditions. This variant is not present in population databases (gnomAD no frequency). This sequence change replaces serine, which is neutral and polar, with cysteine, which is neutral and slightly polar, at codon 615 of the NBN protein (p.Ser615Cys). Algorithms developed to predict the effect of missense changes on protein structure and function are either unavailable or do not agree on the potential impact of this missense change (SIFT: "Tolerated"; PolyPhen-2: "Possibly Damaging"; Align-GVGD: "Class C0"). In summary, the available evidence is currently insufficient to determine the role of this variant in disease. Therefore, it has been classified as a Variant of Uncertain Significance.

NM_002485.5(NBN):c.1844C>G (p.Ser615Cys)

Gene: NBN (nibrin; minus strand). Cytogenetic location: 8q21.3.
Variant type: single nucleotide variant.
Coding change: c.1844C>G on transcript NM_002485.5 (MANE Select); coding-DNA position 1844, C replaced by G.
Protein change: p.Ser615Cys; replaces serine 615 with cysteine.
Molecular consequence: missense variant.
Genome position (GRCh38, 1-based): chr8:89,953,245, G>C on the plus strand (C>G on the coding strand, the complement: NBN is on the minus strand). VCF-style: chr8-89953245-G-C. GRCh37 (hg19) VCF-style: chr8-90965473-G-C.
Other names: c.1598C>G, p.Ser533Cys (NM_001024688.3); short protein forms S533C, S615C.
Identifiers: ClinVar variation 1999736 (VCV001999736.5), dbSNP rs1810520002, ClinGen allele CA371654962.